The following is an entry in ClinVar:

NM_006939.4(SOS2):c.714+65_714+68del

Gene: SOS2 (SOS Ras/Rho guanine nucleotide exchange factor 2; minus strand). Cytogenetic location: 14q21.3.
Variant type: Deletion.
Coding change: c.714+65_714+68del on transcript NM_006939.4 (MANE Select); bases 65 to 68 of the intron after coding-DNA position 714, 4 bases deleted (AATA; older notation c.714+65_714+68delAATA).
Molecular consequence: intron variant.
Genome position (GRCh38, 1-based): chr14:50,188,429-50,188,432, TATT deleted on the plus strand (AATA on the coding strand, the reverse complement: SOS2 is on the minus strand); deleting any 4 consecutive bases within chr14:50,188,429-50,188,435 gives the same sequence; the c. name uses the placement nearest the transcript's 3' end. VCF-style (leftmost placement, unchanged base first): chr14-50188428-CTATT-C. GRCh37 (hg19) VCF-style: chr14-50655146-CTATT-C.
Other names: c.714+65_714+68delAATA (NM_006939.2).
Identifiers: ClinVar variation 561593 (VCV000561593.1), dbSNP rs67021603, ClinGen allele CA260713110.

ClinVar aggregate classification (germline): Benign (1 of 4 stars; one submission).

Submission:

GeneDx
Classification: Benign. Last evaluated: 2018-06-14. Review status: criteria provided, single submitter. Criteria: GeneDx Variant Classification (06012015). Collection method: clinical testing. Allele origin: germline. Affected: yes.
Comment: This variant is considered likely benign or benign based on one or more of the following criteria: it is a conservative change, it occurs at a poorly conserved position in the protein, it is predicted to be benign by multiple in silico algorithms, and/or has population frequency not consistent with disease.